The following is an entry in ClinVar:

ClinVar aggregate classification (germline): Uncertain significance. Review status: criteria provided, multiple submitters, no conflicts (2 of 4 stars). 2 submissions from 2 submitters: Uncertain significance (2). Last evaluated 2024-10-22.

Allele frequency attached by ClinVar (database versions not stated): gnomAD 0.00001; gnomAD exomes 0.00002; TOPMed 0.00002; ExAC 0.00003; 1000 Genomes Project 30x 0.00016; 1000 Genomes Project 0.00020.
gnomAD v4.1: 23 of 1,614,032 alleles (0.0014%); highest among the groups gnomAD compares: African/African-American, 0.004%; no homozygotes.

Submissions (2):

Labcorp Genetics (formerly Invitae), Labcorp
Classification: Uncertain significance. Last evaluated: 2024-10-22. Review status: criteria provided, single submitter. Criteria: Invitae Variant Classification Sherloc (09022015). Collection method: clinical testing. Allele origin: germline.
Comment: This sequence change replaces arginine, which is basic and polar, with cysteine, which is neutral and slightly polar, at codon 1138 of the TAOK2 protein (p.Arg1138Cys). This variant is present in population databases (rs557300662, gnomAD 0.007%). This variant has not been reported in the literature in individuals affected with TAOK2-related conditions. ClinVar contains an entry for this variant (Variation ID: 1923434). An algorithm developed to predict the effect of missense changes on protein structure and function (PolyPhen-2) suggests that this variant is likely to be tolerated. In summary, the available evidence is currently insufficient to determine the role of this variant in disease. Therefore, it has been classified as a Variant of Uncertain Significance.

Ambry Genetics
Classification: Uncertain significance. Last evaluated: 2024-09-10. Review status: criteria provided, single submitter. Criteria: Ambry Variant Classification Scheme 2023. Collection method: clinical testing. Allele origin: germline.

NM_016151.4(TAOK2):c.3412C>T (p.Arg1138Cys)

Gene: TAOK2 (TAO kinase 2; plus strand). Cytogenetic location: 16p11.2.
Variant type: single nucleotide variant.
Coding change: c.3412C>T on transcript NM_016151.4 (MANE Select); coding-DNA position 3412, C replaced by T.
Protein change: p.Arg1138Cys; replaces arginine 1138 with cysteine.
Molecular consequence: missense variant. On other transcripts: intron variant (1).
Genome position (GRCh38, 1-based): chr16:29,987,684, C>T. VCF-style: chr16-29987684-C-T. GRCh37 (hg19) VCF-style: chr16-29999005-C-T.
Other names: c.3412C>T (NM_016151.2); c.3073C>T, p.Arg1025Cys (NM_001252043.2); c.2232+1180C>T (NM_004783.4); short protein forms R1025C, R1138C.
Identifiers: ClinVar variation 1923434 (VCV001923434.6), dbSNP rs557300662, ClinGen allele CA7998570.